The following is an entry in ClinVar:

NM_022773.4(LMF1):c.503+4A>G

Gene: LMF1 (lipase maturation factor 1; minus strand). Cytogenetic location: 16p13.3.
Variant type: single nucleotide variant.
Coding change: c.503+4A>G on transcript NM_022773.4 (MANE Select); 4 bases into the intron after coding-DNA position 503, A replaced by G.
Molecular consequence: intron variant.
Genome position (GRCh38, 1-based): chr16:954,353, T>C on the plus strand (A>G on the coding strand, the complement: LMF1 is on the minus strand). VCF-style: chr16-954353-T-C. GRCh37 (hg19) VCF-style: chr16-1004353-T-C.
Other names: c.176+4A>G (NM_001352019.2); c.-301+4A>G (NM_001352017.2); c.-52+4A>G (NM_001352018.2); c.503+4A>G (NM_001352020.1); c.-203+4A>G (NM_001352021.2).
Identifiers: ClinVar variation 2090045 (VCV002090045.4), dbSNP rs2548398377, ClinGen allele CA2580092184.

ClinVar aggregate classification (germline): Uncertain significance (1 of 4 stars; one submission).

Allele frequency attached by ClinVar (database versions not stated): gnomAD exomes below 0.00001.
gnomAD v4.1: 1 of 1,611,020 alleles (0.000062%); highest among the groups gnomAD compares: Non-Finnish European, 0.000085%; no homozygotes.

Submission:

Labcorp Genetics (formerly Invitae), Labcorp
Classification: Uncertain significance. Last evaluated: 2022-02-18. Review status: criteria provided, single submitter. Criteria: Invitae Variant Classification Sherloc (09022015). Collection method: clinical testing. Allele origin: germline.
Comment: In summary, the available evidence is currently insufficient to determine the role of this variant in disease. Therefore, it has been classified as a Variant of Uncertain Significance. Variants that disrupt the consensus splice site are a relatively common cause of aberrant splicing (PMID: 17576681, 9536098). Algorithms developed to predict the effect of sequence changes on RNA splicing suggest that this variant may disrupt the consensus splice site. This variant has not been reported in the literature in individuals affected with LMF1-related conditions. This variant is not present in population databases (gnomAD no frequency). This sequence change falls in intron 2 of the LMF1 gene. It does not directly change the encoded amino acid sequence of the LMF1 protein. It affects a nucleotide within the consensus splice site.

Literature cited by the submitters: PubMed 17576681; PubMed 9536098.